The following is an entry in ClinVar:

NM_001267550.2(TTN):c.34038T>G (p.Pro11346=)

Gene: TTN (titin; minus strand). Cytogenetic location: 2q31.2.
Variant type: single nucleotide variant.
Coding change: c.34038T>G on transcript NM_001267550.2 (MANE Select); coding-DNA position 34038, T replaced by G.
Protein change: p.Pro11346=; no amino-acid change (proline 11346 retained).
Molecular consequence: synonymous variant. On other transcripts: intron variant (3).
Genome position (GRCh38, 1-based): chr2:178,677,874, A>C on the plus strand (T>G on the coding strand, the complement: TTN is on the minus strand). VCF-style: chr2-178677874-A-C. GRCh37 (hg19) VCF-style: chr2-179542601-A-C.
Other names: c.30306T>G, p.Pro10102= (NM_133378.4); c.33087T>G, p.Pro11029= (NM_001256850.1); c.13283-35557T>G (NM_003319.4); c.13859-35557T>G (NM_133437.4); c.13658-35557T>G (NM_133432.3).
Identifiers: ClinVar variation 46897 (VCV000046897.23), dbSNP rs375714279, ClinGen allele CA139455.
Genomic context (GRCh38, chr2:178,677,874, plus strand): 5'-CTCAGGTAGAACTTCCTCTTCAGGAACAATTTCTTCTTCAAATAGAACTTCCTCTTCCTG[A>C]GGTAGAGCTACAGGAACTGGAACTGGTTCACGTTTCTTTGGCACTTTAAAGATATTTATT-3'
Protein context (NP_001254479.2, residues 11336-11356): REPVPVPVAL[Pro11346=]QEEEVLFEEE

ClinVar aggregate classification (germline): Likely benign. Review status: criteria provided, multiple submitters, no conflicts (2 of 4 stars). 4 submissions from 4 submitters: Likely benign (4). Last evaluated 2026-03-08.

Conditions:
TTN-related disorder. Also called: TTN-related condition; TTN-related disease; TTN-related disorders.
Dilated cardiomyopathy 1G (CMD1G). Identifiers: Orphanet 154, MedGen C1858763, MONDO:0011400, OMIM 604145.
Autosomal recessive limb-girdle muscular dystrophy type 2J (LGMDR10). Also called: Limb-girdle muscular dystrophy, type 2J; MUSCULAR DYSTROPHY, LIMB-GIRDLE, AUTOSOMAL RECESSIVE 10. Identifiers: Orphanet 140922, MedGen C1837342, MONDO:0012127, OMIM 608807.

Allele frequency attached by ClinVar (database versions not stated): gnomAD 0.00001 and 0.00002; gnomAD exomes 0.00003 and 0.00005; TOPMed 0.00003; ExAC 0.00007; ESP Exome Variant Server 0.00008.
gnomAD v4.1: 45 of 1,611,330 alleles (0.0028%); highest among the groups gnomAD compares: Non-Finnish European, 0.00059%; no homozygotes.

Submissions (4):

PreventionGenetics, part of Exact Sciences
Classification: Likely benign for TTN-related condition. Last evaluated: 2026-03-08. Review status: criteria provided, single submitter. Criteria: ACMG Guidelines, 2015. Collection method: clinical testing. Allele origin: germline.
Comment: This variant is classified as likely benign based on ACMG/AMP sequence variant interpretation guidelines (Richards et al. 2015 PMID: 25741868, with internal and published modifications).

Labcorp Genetics (formerly Invitae), Labcorp
Classification: Likely benign for Dilated cardiomyopathy 1G; Autosomal recessive limb-girdle muscular dystrophy type 2J. Last evaluated: 2026-01-28. Review status: criteria provided, single submitter. Criteria: Invitae Variant Classification Sherloc (09022015). Collection method: clinical testing. Allele origin: germline.

CeGaT Center for Human Genetics Tuebingen
Classification: Likely benign. Last evaluated: 2025-12-01. Review status: criteria provided, single submitter. Criteria: CeGaT Center For Human Genetics Tuebingen Variant Classification Criteria Version 2. Collection method: clinical testing. Allele origin: germline. Affected: yes. Observed: 3 variant alleles.
Comment: TTN: BP4, BP7

Laboratory for Molecular Medicine, Mass General Brigham Personalized Medicine
Classification: Likely benign. Last evaluated: 2012-06-01. Review status: criteria provided, single submitter. Criteria: LMM Criteria. Collection method: clinical testing. Allele origin: germline. Observed: 1 variant allele.
Comment: Pro10102Pro in exon 143 of TTN: This variant is not expected to have clinical si gnificance because it does not alter an amino acid residue and is not located wi thin the splice consensus sequence. It has been identified in 1/6550 European Am erican chromosomes from a broad population by the NHLBI Exome Sequencing Project. Pro10102Pro in exon 143 of TTN (allele fre quency = 1/6550) **